The following is an entry in ClinVar:

ClinVar aggregate classification (germline): Uncertain significance (1 of 4 stars; one submission).

Submission:

GeneDx
Classification: Uncertain significance. Last evaluated: 2024-07-09. Review status: criteria provided, single submitter. Criteria: GeneDx Variant Classification Process June 2021. Collection method: clinical testing. Allele origin: germline. Affected: yes.
Comment: Not observed at significant frequency in large population cohorts (gnomAD); In silico analysis supports that this missense variant has a deleterious effect on protein structure/function; Has not been previously published as pathogenic or benign to our knowledge

NM_002430.3(MN1):c.1007C>G (p.Pro336Arg)

Gene: MN1 (MN1 proto-oncogene, transcriptional regulator; minus strand). Cytogenetic location: 22q12.1.
Variant type: single nucleotide variant.
Coding change: c.1007C>G on transcript NM_002430.3 (MANE Select); coding-DNA position 1007, C replaced by G.
Protein change: p.Pro336Arg; replaces proline 336 with arginine.
Molecular consequence: missense variant.
Genome position (GRCh38, 1-based): chr22:27,799,537, G>C on the plus strand (C>G on the coding strand, the complement: MN1 is on the minus strand). VCF-style: chr22-27799537-G-C. GRCh37 (hg19) VCF-style: chr22-28195525-G-C.
Other names: short protein forms P336R.
Identifiers: ClinVar variation 3572785 (VCV003572785.1).